The following is an entry in ClinVar:

ClinVar aggregate classification (germline): Uncertain significance (1 of 4 stars; one submission).

Conditions:
Dilated cardiomyopathy 1II (CMD1II). Identifiers: Orphanet 154, MedGen C3554649, MONDO:0014073, OMIM 615184.

Submission:

Labcorp Genetics (formerly Invitae), Labcorp
Classification: Uncertain significance for Dilated cardiomyopathy 1II. Last evaluated: 2024-05-09. Review status: criteria provided, single submitter. Criteria: Invitae Variant Classification Sherloc (09022015). Collection method: clinical testing. Allele origin: germline.
Comment: This variant, c.149_163del, results in the deletion of 5 amino acid(s) of the CRYAB protein (p.Arg50_Phe54del), but otherwise preserves the integrity of the reading frame. This variant is present in population databases (rs782719976, gnomAD 0.002%). This variant has not been reported in the literature in individuals affected with CRYAB-related conditions. Experimental studies and prediction algorithms are not available or were not evaluated, and the functional significance of this variant is currently unknown. In summary, the available evidence is currently insufficient to determine the role of this variant in disease. Therefore, it has been classified as a Variant of Uncertain Significance.

NM_001289808.2(CRYAB):c.149_163del (p.Arg50_Phe54del)

Gene: CRYAB (crystallin alpha B; minus strand). Cytogenetic location: 11q23.1.
Variant type: Deletion.
Coding change: c.149_163del on transcript NM_001289808.2 (MANE Select); coding-DNA positions 149 to 163, 15 bases deleted (GGCCACCCTCCTTCC).
Protein change: p.Arg50_Phe54del.
Molecular consequence: inframe deletion.
Genome position (GRCh38, 1-based): chr11:111,911,562-111,911,576, GGAAGGAGGGTGGCC deleted on the plus strand (GGCCACCCTCCTTCC on the coding strand, the reverse complement: CRYAB is on the minus strand); deleting any 15 consecutive bases within chr11:111,911,562-111,911,577 gives the same sequence; the c. name uses the placement nearest the transcript's 3' end. VCF-style (leftmost placement, unchanged base first): chr11-111911561-AGGAAGGAGGGTGGCC-A. GRCh37 (hg19) VCF-style: chr11-111782285-AGGAAGGAGGGTGGCC-A.
Other names: c.149_163del, p.Arg50_Phe54del (NM_001289807.1, NM_001368245.1, NM_001885.3).
Identifiers: ClinVar variation 2740863 (VCV002740863.3), dbSNP rs782719976, ClinGen allele CA476783340.
Genomic context (GRCh38, chr11:111,911,561, plus strand): 5'-GTCCTAGCTGTGGGGAGACTCACCTCTGAGAGTCCAGTGTCAAACCAGCTGGGTGCCCGC[AGGAAGGAGGGTGGCC>A]GAAGGTAGAAGGGACTCAGGGAAGTAGACGTCGGGAAAAGATCAGACTCCAACAGGTGCT-3'